The following is an entry in ClinVar:

NM_004304.5(ALK):c.43T>C (p.Ser15Pro)

Gene: ALK (ALK receptor tyrosine kinase; minus strand). Cytogenetic location: 2p23.1.
Variant type: single nucleotide variant.
Coding change: c.43T>C on transcript NM_004304.5 (MANE Select); coding-DNA position 43, T replaced by C.
Protein change: p.Ser15Pro; replaces serine 15 with proline.
Molecular consequence: missense variant.
Genome position (GRCh38, 1-based): chr2:29,920,617, A>G on the plus strand (T>C on the coding strand, the complement: ALK is on the minus strand). VCF-style: chr2-29920617-A-G. GRCh37 (hg19) VCF-style: chr2-30143483-A-G.
Other names: short protein forms S15P.
Identifiers: ClinVar variation 2566562 (VCV002566562.2), dbSNP rs1667971233, ClinGen allele CA346590796.

ClinVar aggregate classification (germline): Uncertain significance (1 of 4 stars; one submission).

Conditions:
Hereditary cancer-predisposing syndrome. Also called: Neoplastic Syndromes, Hereditary; Hereditary Cancer Syndrome; Hereditary neoplastic syndrome; Tumor predisposition. Identifiers: Orphanet 140162, MedGen C0027672, MeSH D009386, MONDO:0015356.

Submission:

Ambry Genetics
Classification: Uncertain significance for Hereditary cancer-predisposing syndrome. Last evaluated: 2023-04-01. Review status: criteria provided, single submitter. Criteria: Ambry Variant Classification Scheme 2023. Collection method: clinical testing. Allele origin: germline.
Comment: The p.S15P variant (also known as c.43T>C), located in coding exon 1 of the ALK gene, results from a T to C substitution at nucleotide position 43. The serine at codon 15 is replaced by proline, an amino acid with similar properties. This amino acid position is conserved. In addition, this alteration is predicted to be tolerated by in silico analysis. Since supporting evidence is limited at this time, the clinical significance of this alteration remains unclear.